The following is an entry in ClinVar:

ClinVar aggregate classification (germline): Uncertain significance. Review status: criteria provided, multiple submitters, no conflicts (2 of 4 stars). 2 submissions from 2 submitters: Uncertain significance (2). Last evaluated 2019-03-27.

Conditions:
Cardiovascular phenotype. Identifiers: MedGen CN230736.

Allele frequency attached by ClinVar (database versions not stated): gnomAD exomes below 0.00001; TOPMed below 0.00001; gnomAD 0.00001.
gnomAD v4.1: 4 of 1,613,300 alleles (0.00025%); highest among the groups gnomAD compares: African/African-American, 0.0027%; no homozygotes.

Submissions (2):

GeneDx
Classification: Uncertain significance. Last evaluated: 2019-03-27. Review status: criteria provided, single submitter. Criteria: GeneDx Variant Classification Process June 2021. Collection method: clinical testing. Allele origin: germline. Affected: yes.

Ambry Genetics
Classification: Uncertain significance for Cardiovascular phenotype. Last evaluated: 2018-12-17. Review status: criteria provided, single submitter. Criteria: Ambry Variant Classification Scheme 2023. Collection method: clinical testing. Allele origin: germline.
Comment: The p.S22430N variant (also known as c.67289G>A), located in coding exon 167 of the TTN gene, results from a G to A substitution at nucleotide position 67289. The serine at codon 22430 is replaced by asparagine, an amino acid with highly similar properties. This amino acid position is highly conserved in available vertebrate species. In addition, this alteration is predicted to be tolerated by in silico analysis. Since supporting evidence is limited at this time, the clinical significance of this alteration remains unclear.

NM_001267550.2(TTN):c.94484G>A (p.Ser31495Asn)

Genes: TTN (titin; minus strand), TTN-AS1 (TTN antisense RNA 1; plus strand). Cytogenetic location: 2q31.2.
Variant type: single nucleotide variant.
Coding change: c.94484G>A on transcript NM_001267550.2 (MANE Select); coding-DNA position 94484, G replaced by A.
Protein change: p.Ser31495Asn; replaces serine 31495 with asparagine.
Molecular consequence: missense variant.
Genome position (GRCh38, 1-based): chr2:178,547,041, C>T on the plus strand (G>A on the coding strand, the complement: TTN is on the minus strand). VCF-style: chr2-178547041-C-T. GRCh37 (hg19) VCF-style: chr2-179411768-C-T.
Other names: c.89561G>A, p.Ser29854Asn (NM_001256850.1); c.67289G>A, p.Ser22430Asn (NM_003319.4); c.86780G>A, p.Ser28927Asn (NM_133378.4); c.67664G>A, p.Ser22555Asn (NM_133432.3); c.67865G>A, p.Ser22622Asn (NM_133437.4); short protein forms S22622N, S28927N, S29854N, S31495N, S22430N, S22555N.
Identifiers: ClinVar variation 1308326 (VCV001308326.4), dbSNP rs1329167679, ClinGen allele CA349473502.